The following is an entry in ClinVar:

NM_001130987.2(DYSF):c.1852T>C (p.Ser618Pro)

Gene: DYSF (dysferlin; plus strand). Cytogenetic location: 2p13.2.
Variant type: single nucleotide variant.
Coding change: c.1852T>C on transcript NM_001130987.2 (MANE Select); coding-DNA position 1852, T replaced by C.
Protein change: p.Ser618Pro; replaces serine 618 with proline.
Molecular consequence: missense variant.
Genome position (GRCh38, 1-based): chr2:71,553,056, T>C. VCF-style: chr2-71553056-T-C. GRCh37 (hg19) VCF-style: chr2-71780186-T-C.
Other names: c.1801T>C, p.Ser601Pro (NM_001130455.2, NM_001130983.2); c.1756T>C, p.Ser586Pro (NM_001130976.2, NM_001130977.2); c.1798T>C, p.Ser600Pro (NM_001130978.2, NM_003494.4); c.1891T>C, p.Ser631Pro (NM_001130979.2); c.1849T>C, p.Ser617Pro (NM_001130980.2, NM_001130981.2); c.1894T>C, p.Ser632Pro (NM_001130982.2); c.1759T>C, p.Ser587Pro (NM_001130984.2, NM_001130986.2); c.1798T>C (NM_003494.3); and 1 more; short protein forms S600P, S631P, S632P, S586P, S618P, S587P, S601P, S617P.
Identifiers: ClinVar variation 1375272 (VCV001375272.8), dbSNP rs2152790710, ClinGen allele CA347218428.

ClinVar aggregate classification (germline): Uncertain significance. Review status: criteria provided, multiple submitters, no conflicts (2 of 4 stars). 2 submissions from 2 submitters: Uncertain significance (2). Last evaluated 2024-03-28.

Conditions:
Neuromuscular disease caused by qualitative or quantitative defects of dysferlin. Also called: Dysferlinopathy; Qualitative or quantitative defects of dysferlin. Identifiers: Orphanet 207073, MedGen C2931687, MONDO:0016145.

gnomAD v4.1: 1 of 1,614,190 alleles (0.000062%); highest among the groups gnomAD compares: Non-Finnish European, 0.000085%; no homozygotes.

Submissions (2):

Revvity Omics, Revvity
Classification: Uncertain significance. Last evaluated: 2024-03-28. Review status: criteria provided, single submitter. Criteria: ACMG Guidelines, 2015. Collection method: clinical testing. Allele origin: germline.

Labcorp Genetics (formerly Invitae), Labcorp
Classification: Uncertain significance for Neuromuscular disease caused by qualitative or quantitative defects of dysferlin. Last evaluated: 2021-08-15. Review status: criteria provided, single submitter. Criteria: Invitae Variant Classification Sherloc (09022015). Collection method: clinical testing. Allele origin: germline.
Comment: In summary, the available evidence is currently insufficient to determine the role of this variant in disease. Therefore, it has been classified as a Variant of Uncertain Significance. Advanced modeling of protein sequence and biophysical properties (such as structural, functional, and spatial information, amino acid conservation, physicochemical variation, residue mobility, and thermodynamic stability) performed at Invitae indicates that this missense variant is expected to disrupt DYSF protein function. This missense change has been observed in individual(s) with clinical features of DYSF-related conditions (Invitae). This variant is not present in population databases (ExAC no frequency). This sequence change replaces serine with proline at codon 600 of the DYSF protein (p.Ser600Pro). The serine residue is moderately conserved and there is a moderate physicochemical difference between serine and proline.